The following is an entry in ClinVar:

NM_182961.4(SYNE1):c.4609C>G (p.Arg1537Gly)

Gene: SYNE1 (spectrin repeat containing nuclear envelope protein 1; minus strand). Cytogenetic location: 6q25.2.
Variant type: single nucleotide variant.
Coding change: c.4609C>G on transcript NM_182961.4 (MANE Select); coding-DNA position 4609, C replaced by G.
Protein change: p.Arg1537Gly; replaces arginine 1537 with glycine.
Molecular consequence: missense variant.
Genome position (GRCh38, 1-based): chr6:152,430,562, G>C on the plus strand (C>G on the coding strand, the complement: SYNE1 is on the minus strand). VCF-style: chr6-152430562-G-C. GRCh37 (hg19) VCF-style: chr6-152751697-G-C.
Other names: c.4630C>G, p.Arg1544Gly (NM_033071.5); short protein forms R1537G, R1544G.
Identifiers: ClinVar variation 1500342 (VCV001500342.8), dbSNP rs983431074, ClinGen allele CA150219440.

ClinVar aggregate classification (germline): Uncertain significance (1 of 4 stars; one submission).

Conditions:
Autosomal recessive ataxia, Beauce type. Also called: SYNE1-Related Autosomal Recessive Cerebellar Ataxia; Spinocerebellar ataxia, autosomal recessive 8; ATAXIA, RECESSIVE, OF BEAUCE; SYNE1 Deficiency. Identifiers: Orphanet 88644, MedGen C1853116, MONDO:0012549, OMIM 610743.
Emery-Dreifuss muscular dystrophy 4, autosomal dominant (EDMD4). Also called: EMERY-DREIFUSS MUSCULAR DYSTROPHY 4 WITH VARIABLE FEATURES. Identifiers: Orphanet 261, MedGen C2751807, MONDO:0013071, OMIM 612998.

Allele frequency attached by ClinVar (database versions not stated): gnomAD 0.00001; TOPMed 0.00001.
gnomAD v4.1: 1 of 1,613,918 alleles (0.000062%); highest among the groups gnomAD compares: African/African-American, 0.0013%; no homozygotes.

Submission:

Labcorp Genetics (formerly Invitae), Labcorp
Classification: Uncertain significance for Emery-Dreifuss muscular dystrophy 4, autosomal dominant; Autosomal recessive ataxia, Beauce type. Last evaluated: 2021-06-17. Review status: criteria provided, single submitter. Criteria: Invitae Variant Classification Sherloc (09022015). Collection method: clinical testing. Allele origin: germline.
Comment: This sequence change replaces arginine with glycine at codon 1544 of the SYNE1 protein (p.Arg1544Gly). The arginine residue is moderately conserved and there is a moderate physicochemical difference between arginine and glycine. In summary, the available evidence is currently insufficient to determine the role of this variant in disease. Therefore, it has been classified as a Variant of Uncertain Significance. Algorithms developed to predict the effect of missense changes on protein structure and function are either unavailable or do not agree on the potential impact of this missense change (SIFT: "Deleterious"; PolyPhen-2: "Benign"; Align-GVGD: "Class C0"). This variant has not been reported in the literature in individuals with SYNE1-related conditions. This variant is not present in population databases (ExAC no frequency).